The following is an entry in ClinVar:

ClinVar aggregate classification (germline): Uncertain significance. Review status: criteria provided, multiple submitters, no conflicts (2 of 4 stars). 2 submissions from 2 submitters: Uncertain significance (2). Last evaluated 2023-02-21.

Conditions:
Inborn genetic diseases. Identifiers: MedGen C0950123, MeSH D030342.

Allele frequency attached by ClinVar (database versions not stated): gnomAD 0.00001; TOPMed 0.00002; ExAC 0.00003; gnomAD exomes 0.00006.
gnomAD v4.1: 86 of 1,613,274 alleles (0.0053%); highest among the groups gnomAD compares: Non-Finnish European, 0.0069%; no homozygotes.

Submissions (2):

Labcorp Genetics (formerly Invitae), Labcorp
Classification: Uncertain significance. Last evaluated: 2023-02-21. Review status: criteria provided, single submitter. Criteria: Invitae Variant Classification Sherloc (09022015). Collection method: clinical testing. Allele origin: germline.
Comment: In summary, the available evidence is currently insufficient to determine the role of this variant in disease. Therefore, it has been classified as a Variant of Uncertain Significance. Advanced modeling of protein sequence and biophysical properties (such as structural, functional, and spatial information, amino acid conservation, physicochemical variation, residue mobility, and thermodynamic stability) performed at Invitae indicates that this missense variant is not expected to disrupt IGF1R protein function. This variant has not been reported in the literature in individuals affected with IGF1R-related conditions. This variant is present in population databases (rs753134217, gnomAD 0.004%). This sequence change replaces threonine, which is neutral and polar, with alanine, which is neutral and non-polar, at codon 246 of the IGF1R protein (p.Thr246Ala).

Ambry Genetics
Classification: Uncertain significance for Inborn genetic diseases. Last evaluated: 2023-02-14. Review status: criteria provided, single submitter. Criteria: Ambry Variant Classification Scheme 2023. Collection method: clinical testing. Allele origin: germline.

NM_000875.5(IGF1R):c.736A>G (p.Thr246Ala)

Gene: IGF1R (insulin like growth factor 1 receptor; plus strand). Cytogenetic location: 15q26.3.
Variant type: single nucleotide variant.
Coding change: c.736A>G on transcript NM_000875.5 (MANE Select); coding-DNA position 736, A replaced by G.
Protein change: p.Thr246Ala; replaces threonine 246 with alanine.
Molecular consequence: missense variant.
Genome position (GRCh38, 1-based): chr15:98,891,420, A>G. VCF-style: chr15-98891420-A-G. GRCh37 (hg19) VCF-style: chr15-99434649-A-G.
Other names: c.736A>G, p.Thr246Ala (NM_001291858.2); short protein forms T246A.
Identifiers: ClinVar variation 2469836 (VCV002469836.5), dbSNP rs753134217, ClinGen allele CA7751888.
Genomic context (GRCh38, chr15:98,891,420, plus strand): 5'-GAGAACAATGAGTGCTGCCACCCCGAGTGCCTGGGCAGCTGCAGCGCGCCTGACAACGAC[A>G]CGGCCTGTGTAGCTTGCCGCCACTACTACTATGCCGGTGTCTGTGTGCCTGCCTGCCCGC-3'
Protein context (NP_000866.1, residues 236-256): LGSCSAPDND[Thr246Ala]ACVACRHYYY